The following is an entry in ClinVar:

NM_006231.4(POLE):c.2896G>A (p.Ala966Thr)

Gene: POLE (DNA polymerase epsilon, catalytic subunit; minus strand). Cytogenetic location: 12q24.33.
Variant type: single nucleotide variant.
Coding change: c.2896G>A on transcript NM_006231.4 (MANE Select); coding-DNA position 2896, G replaced by A.
Protein change: p.Ala966Thr; replaces alanine 966 with threonine.
Molecular consequence: missense variant.
Genome position (GRCh38, 1-based): chr12:132,661,133, C>T on the plus strand (G>A on the coding strand, the complement: POLE is on the minus strand). VCF-style: chr12-132661133-C-T. GRCh37 (hg19) VCF-style: chr12-133237719-C-T.
Other names: short protein forms A966T.
Identifiers: ClinVar variation 1797355 (VCV001797355.8), dbSNP rs2138692057, ClinGen allele CA387392815.

ClinVar aggregate classification (germline): Uncertain significance. Review status: criteria provided, multiple submitters, no conflicts (2 of 4 stars). 2 submissions from 2 submitters: Uncertain significance (2). Last evaluated 2026-02-24.

Conditions:
Hereditary cancer-predisposing syndrome. Also called: Tumor predisposition; Hereditary Cancer Syndrome; Hereditary neoplastic syndrome; Neoplastic Syndromes, Hereditary. Identifiers: Orphanet 140162, MedGen C0027672, MeSH D009386, MONDO:0015356.

Submissions (2):

Ambry Genetics
Classification: Uncertain significance for Hereditary cancer-predisposing syndrome. Last evaluated: 2026-02-24. Review status: criteria provided, single submitter. Criteria: Ambry Variant Classification Scheme 2023. Collection method: clinical testing. Allele origin: germline.

Labcorp Genetics (formerly Invitae), Labcorp
Classification: Uncertain significance. Last evaluated: 2021-12-18. Review status: criteria provided, single submitter. Criteria: Invitae Variant Classification Sherloc (09022015). Collection method: clinical testing. Allele origin: germline.
Comment: In summary, the available evidence is currently insufficient to determine the role of this variant in disease. Therefore, it has been classified as a Variant of Uncertain Significance. Algorithms developed to predict the effect of missense changes on protein structure and function (SIFT, PolyPhen-2, Align-GVGD) all suggest that this variant is likely to be disruptive. This variant has not been reported in the literature in individuals affected with POLE-related conditions. This variant is not present in population databases (gnomAD no frequency). This sequence change replaces alanine, which is neutral and non-polar, with threonine, which is neutral and polar, at codon 966 of the POLE protein (p.Ala966Thr).